The following is an entry in ClinVar:

NM_021076.4(NEFH):c.2362C>A (p.Pro788Thr)

Gene: NEFH (neurofilament heavy chain; plus strand). Cytogenetic location: 22q12.2.
Variant type: single nucleotide variant.
Coding change: c.2362C>A on transcript NM_021076.4 (MANE Select); coding-DNA position 2362, C replaced by A.
Protein change: p.Pro788Thr; replaces proline 788 with threonine.
Molecular consequence: missense variant.
Genome position (GRCh38, 1-based): chr22:29,490,002, C>A. VCF-style: chr22-29490002-C-A. GRCh37 (hg19) VCF-style: chr22-29885991-C-A.
Other names: short protein forms P788T.
Identifiers: ClinVar variation 1343044 (VCV001343044.6), dbSNP rs1346622497, ClinGen allele CA411137112.
Genomic context (GRCh38, chr22:29,490,002, plus strand): 5'-ACTCCAGCGAAGGAGGAAGCAAGGTCCCCTGCAGACAAATTCCCTGAAAAGGCCAAAAGC[C>A]CTGTCAAGGAGGAGGTCAAGTCCCCAGAGAAGGCGAAATCTCCCCTGAAGGAGGATGCCA-3'
Protein context (NP_066554.2, residues 778-798): ADKFPEKAKS[Pro788Thr]VKEEVKSPEK

ClinVar aggregate classification (germline): Conflicting classifications of pathogenicity. Review status: criteria provided, conflicting classifications (1 of 4 stars). 2 submissions from 2 submitters: Uncertain significance (1); Likely benign (1). Last evaluated 2024-11-26.

Allele frequency attached by ClinVar (database versions not stated): gnomAD exomes 0.00002 and 0.00005.
gnomAD v4.1: 25 of 1,613,216 alleles (0.0015%); highest among the groups gnomAD compares: Admixed American, 0.025%; no homozygotes.

Submissions (2):

Labcorp Genetics (formerly Invitae), Labcorp
Classification: Likely benign. Last evaluated: 2024-11-26. Review status: criteria provided, single submitter. Criteria: Invitae Variant Classification Sherloc (09022015). Collection method: clinical testing. Allele origin: germline.

GeneDx
Classification: Uncertain significance. Last evaluated: 2022-02-23. Review status: criteria provided, single submitter. Criteria: GeneDx Variant Classification Process June 2021. Collection method: clinical testing. Allele origin: germline. Affected: yes.
Comment: In silico analysis supports that this missense variant has a deleterious effect on protein structure/function; Has not been previously published as pathogenic or benign to our knowledge